The following is an entry in ClinVar:

ClinVar aggregate classification (germline): Likely pathogenic (3 of 4 stars; one submission).

Conditions:
Glanzmann thrombasthenia. Also called: PLATELET GLYCOPROTEIN IIb-IIIa DEFICIENCY; Glanzmann's thrombasthenia; BLEEDING DISORDER, PLATELET-TYPE, 2; THROMBASTHENIA OF GLANZMANN AND NAEGELI; Thrombasthenia. Identifiers: Orphanet 849, MedGen C0040015, MONDO:0100326.

Submission:

ClinGen Platelet Disorders Variant Curation Expert Panel, ClinGen
Classification: Likely pathogenic for Glanzmann thrombasthenia. Last evaluated: 2024-11-07. Review status: reviewed by expert panel. Criteria: ClinGen Platelet ACMG Specifications v2-1. Collection method: curation. Allele origin: germline. Inheritance: Autosomal recessive inheritance.
Comment: The NM_000212.3(ITGB3):c.989T>A (p.Ile330Asn) missense variant has been reported in at least one patient (in PMID: 15634267) with this variant displayed mucocutaneous bleeding and impaired aggregation with all agonists except ristocetin, which is highly specific for Glanzmann thrombasthenia (PP4_moderate). Additionally, αIIbβ3 surface expression was remarkably reduced, as measured by flow cytometry. Similarly, when mutant β3 cDNA/pSG5 were cotransfected into COS7 cells with WT αIIb/pSG5 and the percentage of positive transfected cells was determined by flow cytometry only 4% of COS7 cells were positive (15% of the WT level, 27%; PS3_supporting). The patient in PMID: 15634267 is compound heterozygous for the maternal Ile330Asn and paternal His306Pro (classified Likely Pathogenic by the PD-VCEP) variants (PM3). The computational predictor REVEL gives a score of 0.97 for Ile330Asn, which is above the ClinGen PD VCEP threshold of >0.7 and predicts a damaging effect on function (PP3). This variant is absent from gnomAD v4.1 (PM2_Supporting). In summary this variant meets criteria to be classified as Likely Pathogenic for autosomal recessive Glanzmann Thrombasthenia based on the ACMG/AMP criteria applied, as specified by the ClinGen PD VCEP: PS3_supporting, PM2_supporting, PM3, PP3, PP4_moderate.

Literature cited by the submitters: PubMed 15634267.

NM_000212.3(ITGB3):c.989T>A (p.Ile330Asn)

Gene: ITGB3 (integrin subunit beta 3; plus strand). Cytogenetic location: 17q21.32.
Variant type: single nucleotide variant.
Coding change: c.989T>A on transcript NM_000212.3 (MANE Select); coding-DNA position 989, T replaced by A.
Protein change: p.Ile330Asn; replaces isoleucine 330 with asparagine.
Molecular consequence: missense variant.
Genome position (GRCh38, 1-based): chr17:47,289,730, T>A. VCF-style: chr17-47289730-T-A. GRCh37 (hg19) VCF-style: chr17-45367096-T-A.
Other names: NM_000212.3:c.989T>A; short protein forms I330N.
Identifiers: ClinVar variation 1691459 (VCV001691459.4), dbSNP rs2143105830, ClinGen allele CA400025722.
Genomic context (GRCh38, chr17:47,289,730, plus strand): 5'-CATTTTCCTAGGATTATCCCTCTTTGGGGCTGATGACTGAGAAGCTATCCCAGAAAAACA[T>A]CAATTTGATCTTTGCAGTGACTGAAAATGTAGTCAATCTCTATCAGGTGACTGTGCCTTC-3'
Protein context (NP_000203.2, residues 320-340): LMTEKLSQKN[Ile330Asn]NLIFAVTENV